The following is an entry in ClinVar:

ClinVar aggregate classification (germline): Uncertain significance. Review status: criteria provided, multiple submitters, no conflicts (2 of 4 stars). 2 submissions from 2 submitters: Uncertain significance (2). Last evaluated 2026-08-08.

Conditions:
Cardiovascular phenotype. Identifiers: MedGen CN230736.

Submissions (2):

Ambry Genetics
Classification: Uncertain significance for Cardiovascular phenotype. Last evaluated: 2026-08-08. Review status: criteria provided, single submitter. Criteria: Ambry Variant Classification Scheme 2023. Collection method: clinical testing. Allele origin: germline.
Comment: The p.P32T variant (also known as c.94C>A), located in coding exon 1 of the BAG3 gene, results from a C to A substitution at nucleotide position 94. The proline at codon 32 is replaced by threonine, an amino acid with highly similar properties. This amino acid position is conserved. In addition, the in silico prediction for this alteration is inconclusive. Based on the available evidence, the clinical significance of this variant remains unclear.

GeneDx
Classification: Uncertain significance. Last evaluated: 2025-07-25. Review status: criteria provided, single submitter. Criteria: GeneDx Variant Classification Process June 2021. Collection method: clinical testing. Allele origin: germline. Affected: yes.
Comment: Not observed at significant frequency in large population cohorts (gnomAD); In silico analysis supports that this missense variant has a deleterious effect on protein structure/function; Has not been previously published as pathogenic or benign to our knowledge

NM_004281.4(BAG3):c.94C>A (p.Pro32Thr)

Gene: BAG3 (BAG cochaperone 3; plus strand). Cytogenetic location: 10q26.11.
Variant type: single nucleotide variant.
Coding change: c.94C>A on transcript NM_004281.4 (MANE Select); coding-DNA position 94, C replaced by A.
Protein change: p.Pro32Thr; replaces proline 32 with threonine.
Molecular consequence: missense variant.
Genome position (GRCh38, 1-based): chr10:119,651,769, C>A. VCF-style: chr10-119651769-C-A. GRCh37 (hg19) VCF-style: chr10-121411281-C-A.
Other names: short protein forms P32T.
Identifiers: ClinVar variation 4687016 (VCV004687016.2).
Genomic context (GRCh38, chr10:119,651,769, plus strand): 5'-GTGGCGTCCGGCAACGGTGACCGCGACCCTTTGCCCCCCGGATGGGAGATCAAGATCGAC[C>A]CGCAGACCGGCTGGCCCTTCTTCGTGGACCACAACAGCCGCACCACTACGTGGAACGACC-3'
Protein context (NP_004272.2, residues 22-42): LPPGWEIKID[Pro32Thr]QTGWPFFVDH